The following is an entry in ClinVar:

NM_138383.3(MTSS2):c.622G>T (p.Val208Leu)

Gene: MTSS2 (MTSS I-BAR domain containing 2; minus strand). Cytogenetic location: 16q22.1.
Variant type: single nucleotide variant.
Coding change: c.622G>T on transcript NM_138383.3 (MANE Select); coding-DNA position 622, G replaced by T.
Protein change: p.Val208Leu; replaces valine 208 with leucine.
Molecular consequence: missense variant.
Genome position (GRCh38, 1-based): chr16:70,678,254, C>A on the plus strand (G>T on the coding strand, the complement: MTSS2 is on the minus strand). VCF-style: chr16-70678254-C-A. GRCh37 (hg19) VCF-style: chr16-70712157-C-A.
Other names: short protein forms V208L.
Identifiers: ClinVar variation 5005629 (VCV005005629.2).

ClinVar aggregate classification (germline): Uncertain significance (1 of 4 stars; one submission).

Conditions:
Intellectual developmental disorder with ocular anomalies and distinctive facial features (IDDOF). Identifiers: MedGen C5774238, MONDO:0859303, OMIM 620086.

Submission:

Juno Genomics, Hangzhou Juno Genomics, Inc
Classification: Uncertain significance for Intellectual developmental disorder with ocular anomalies and distinctive facial features. Review status: criteria provided, single submitter. Criteria: ACMG Guidelines, 2015. Collection method: clinical testing. Allele origin: germline.
Comment: Absent from controls (or at extremely low frequency if recessive) in Genome Aggregation Database.;Multiple lines of computational evidence support a deleterious effect on the gene or gene product.